The following is an entry in ClinVar:

NM_005245.4(FAT1):c.2798G>T (p.Arg933Leu)

Gene: FAT1 (FAT atypical cadherin 1; minus strand). Cytogenetic location: 4q35.2.
Variant type: single nucleotide variant.
Coding change: c.2798G>T on transcript NM_005245.4 (MANE Select); coding-DNA position 2798, G replaced by T.
Protein change: p.Arg933Leu; replaces arginine 933 with leucine.
Molecular consequence: missense variant.
Genome position (GRCh38, 1-based): chr4:186,707,030, C>A on the plus strand (G>T on the coding strand, the complement: FAT1 is on the minus strand). VCF-style: chr4-186707030-C-A. GRCh37 (hg19) VCF-style: chr4-187628184-C-A.
Other names: short protein forms R933L.
Identifiers: ClinVar variation 2967882 (VCV002967882.3), dbSNP rs61733570, ClinGen allele CA3167175.
Genomic context (GRCh38, chr4:186,707,030, plus strand): 5'-TCGTGGGCTTCTAACCACATGATGACGGTTCCTTCTGGAAGATCCTCTCGGACTTTCACA[C>A]GATAATTAGGTGGAATAAATGTAGGTGGGTTGTCATTAACATCTTCTAGTGATACTTTCA-3'
Protein context (NP_005236.2, residues 923-943): NPPTFIPPNY[Arg933Leu]VKVREDLPEG

ClinVar aggregate classification (germline): Uncertain significance (1 of 4 stars; one submission).

gnomAD v4.1: 24 of 1,613,776 alleles (0.0015%); highest among the groups gnomAD compares: Admixed American, 0.0017%; no homozygotes.

Submission:

Labcorp Genetics (formerly Invitae), Labcorp
Classification: Uncertain significance. Last evaluated: 2023-01-02. Review status: criteria provided, single submitter. Criteria: Invitae Variant Classification Sherloc (09022015). Collection method: clinical testing. Allele origin: germline.
Comment: This sequence change replaces arginine, which is basic and polar, with leucine, which is neutral and non-polar, at codon 933 of the FAT1 protein (p.Arg933Leu). Advanced modeling of protein sequence and biophysical properties (such as structural, functional, and spatial information, amino acid conservation, physicochemical variation, residue mobility, and thermodynamic stability) performed at Invitae indicates that this missense variant is not expected to disrupt FAT1 protein function. This variant has not been reported in the literature in individuals affected with FAT1-related conditions. This variant is present in population databases (rs61733570, gnomAD 0.01%). In summary, the available evidence is currently insufficient to determine the role of this variant in disease. Therefore, it has been classified as a Variant of Uncertain Significance.